The following is an entry in ClinVar:

ClinVar aggregate classification (germline): Pathogenic (1 of 4 stars; one submission).

Submission:

Labcorp Genetics (formerly Invitae), Labcorp
Classification: Pathogenic. Last evaluated: 2025-05-13. Review status: criteria provided, single submitter. Criteria: Invitae Variant Classification Sherloc (09022015). Collection method: clinical testing. Allele origin: germline.
Comment: This sequence change creates a premature translational stop signal (p.Ser332Phefs*49) in the EPHB4 gene. It is expected to result in an absent or disrupted protein product. Loss-of-function variants in EPHB4 are known to be pathogenic (PMID: 28687708). This variant is not present in population databases (gnomAD no frequency). This variant has not been reported in the literature in individuals affected with EPHB4-related conditions. For these reasons, this variant has been classified as Pathogenic.

Literature cited by the submitters: PubMed 28687708.

NM_004444.5(EPHB4):c.994dup (p.Ser332fs)

Gene: EPHB4 (EPH receptor B4; minus strand). Cytogenetic location: 7q22.1.
Variant type: Duplication.
Coding change: c.994dup on transcript NM_004444.5 (MANE Select); coding-DNA position 994, one base duplicated (T; older notation c.994dupT).
Protein change: p.Ser332fs; shifts the reading frame from serine 332.
Molecular consequence: frameshift variant.
Genome position (GRCh38, 1-based): chr7:100,819,860, A duplicated on the plus strand (T on the coding strand, the reverse complement: EPHB4 is on the minus strand); the first of 3 consecutive A bases (chr7:100,819,860-100,819,862); duplicating any one gives the same sequence. VCF-style (leftmost placement, unchanged base first): chr7-100819859-G-GA. GRCh37 (hg19) VCF-style: chr7-100417481-G-GA.
Other names: short protein forms S332fs.
Identifiers: ClinVar variation 4719041 (VCV004719041.1).